The following is an entry in ClinVar:

ClinVar aggregate classification (germline): Uncertain significance (1 of 4 stars; one submission).

Allele frequency attached by ClinVar (database versions not stated): gnomAD exomes below 0.00001; TOPMed 0.00002; gnomAD 0.00004.
gnomAD v4.1: 7 of 1,614,068 alleles (0.00043%); highest among the groups gnomAD compares: African/African-American, 0.0093%; no homozygotes.

Submission:

Labcorp Genetics (formerly Invitae), Labcorp
Classification: Uncertain significance. Last evaluated: 2022-10-17. Review status: criteria provided, single submitter. Criteria: Invitae Variant Classification Sherloc (09022015). Collection method: clinical testing. Allele origin: germline.
Comment: This sequence change replaces lysine, which is basic and polar, with glutamic acid, which is acidic and polar, at codon 279 of the FAM161A protein (p.Lys279Glu). This variant is present in population databases (no rsID available, gnomAD 0.02%). This variant has not been reported in the literature in individuals affected with FAM161A-related conditions. ClinVar contains an entry for this variant (Variation ID: 1002673). Advanced modeling of protein sequence and biophysical properties (such as structural, functional, and spatial information, amino acid conservation, physicochemical variation, residue mobility, and thermodynamic stability) has been performed at Invitae for this missense variant, however the output from this modeling did not meet the statistical confidence thresholds required to predict the impact of this variant on FAM161A protein function. In summary, the available evidence is currently insufficient to determine the role of this variant in disease. Therefore, it has been classified as a Variant of Uncertain Significance.

NM_001201543.2(FAM161A):c.835A>G (p.Lys279Glu)

Gene: FAM161A (FAM161 centrosomal protein A; minus strand). Cytogenetic location: 2p15.
Variant type: single nucleotide variant.
Coding change: c.835A>G on transcript NM_001201543.2 (MANE Select); coding-DNA position 835, A replaced by G.
Protein change: p.Lys279Glu; replaces lysine 279 with glutamic acid.
Molecular consequence: missense variant. On other transcripts: non-coding transcript variant (1).
Genome position (GRCh38, 1-based): chr2:61,840,169, T>C on the plus strand (A>G on the coding strand, the complement: FAM161A is on the minus strand). VCF-style: chr2-61840169-T-C. GRCh37 (hg19) VCF-style: chr2-62067304-T-C.
Other names: c.835A>G, p.Lys279Glu (NM_032180.3); short protein forms K279E.
Identifiers: ClinVar variation 1002673 (VCV001002673.2), dbSNP rs1477125215, ClinGen allele CA346988013.